The following is an entry in ClinVar:

ClinVar aggregate classification (germline): Uncertain significance (1 of 4 stars; one submission).

Conditions:
Encephalopathy, acute, infection-induced (herpes-specific), susceptibility to, 1. Also called: Herpes simplex encephalitis, susceptibility to, 1. Identifiers: Orphanet 1930, MedGen C2750180, MONDO:0024563, OMIM 610551.

Submission:

Labcorp Genetics (formerly Invitae), Labcorp
Classification: Uncertain significance for Herpes simplex encephalitis 1. Last evaluated: 2019-04-03. Review status: criteria provided, single submitter. Criteria: Invitae Variant Classification Sherloc (09022015). Collection method: clinical testing. Allele origin: germline.
Comment: This variant results in a copy number gain of the genomic region encompassing exon 11 of the UNC93B1 gene. The 5' boundary is likely confined to intron 10. The 3' end of this event is unknown as it extends beyond the assayed region for this gene and therefore may encompass additional genes. As the precise location of this event is unknown, it may be in tandem or it may be located elsewhere in the genome. This variant has not been reported in the literature in individuals with UNC93B1-related disease. Experimental studies and prediction algorithms are not available for this variant, and the functional significance of the duplicated amino acids is currently unknown. In summary, the available evidence is currently insufficient to determine the role of this variant in disease. Therefore, it has been classified as a Variant of Uncertain Significance.

NC_000011.9:g.(?_67758997)_(67759348_?)dup

Gene: UNC93B1 (unc-93B1 regulator of TLR signaling; minus strand). Cytogenetic location: 11q13.2.
Variant type: Duplication.
Identifiers: ClinVar variation 647947 (VCV000647947.2).